The following is an entry in ClinVar:

NM_000057.4(BLM):c.2263A>G (p.Lys755Glu)

Gene: BLM (BLM RecQ like helicase; plus strand). Cytogenetic location: 15q26.1.
Variant type: single nucleotide variant.
Coding change: c.2263A>G on transcript NM_000057.4 (MANE Select); coding-DNA position 2263, A replaced by G.
Protein change: p.Lys755Glu; replaces lysine 755 with glutamic acid.
Molecular consequence: missense variant.
Genome position (GRCh38, 1-based): chr15:90,766,979, A>G. VCF-style: chr15-90766979-A-G. GRCh37 (hg19) VCF-style: chr15-91310209-A-G.
Other names: c.2263A>G, p.Lys755Glu (NM_001287246.2, NM_001287247.2); c.1138A>G, p.Lys380Glu (NM_001287248.2); short protein forms K755E, K380E.
Identifiers: ClinVar variation 133697 (VCV000133697.43), dbSNP rs142551229, ClinGen allele CA157379.

ClinVar aggregate classification (germline): Conflicting classifications of pathogenicity. Review status: criteria provided, conflicting classifications (1 of 4 stars). 15 submissions from 15 submitters: Uncertain significance (3); Benign (3); Likely benign (6). 3 of the submissions do not count toward it. Last evaluated 2026-02-14.

Conditions:
BLM-related disorder. Also called: BLM-related condition.
Hereditary cancer. Identifiers: MedGen C1333600.
Hereditary cancer-predisposing syndrome. Also called: Tumor predisposition; Hereditary neoplastic syndrome; Neoplastic Syndromes, Hereditary; Hereditary Cancer Syndrome. Identifiers: Orphanet 140162, MedGen C0027672, MeSH D009386, MONDO:0015356.
Bloom syndrome (BLM). Also called: Bloom-Torre-Machacek syndrome. Identifiers: Orphanet 125, MedGen C0005859, MONDO:0008876, OMIM 210900.

Allele frequency attached by ClinVar (database versions not stated): gnomAD exomes 0.00012 and 0.00028; ExAC 0.00034; gnomAD 0.00127 and 0.00140; 1000 Genomes Project 30x 0.00141; ESP Exome Variant Server 0.00147; 1000 Genomes Project 0.00160; TOPMed 0.00166.
gnomAD v4.1: 376 of 1,602,870 alleles (0.023%); highest among the groups gnomAD compares: African/African-American, 0.44%; 2 homozygotes.

Submissions (16):

Dasa
Classification: Benign. Last evaluated: 2026-02-14. Review status: criteria provided, single submitter. Criteria: DASA Assertion Criteria. Collection method: clinical testing. Allele origin: germline.
Comment: NM_000057.4(BLM):c.2263A>G (p.Lys755Glu) is a missense variant that results in the substitution of lysine with glutamic acid. Population frequency is inconsistent with a disease-causing role for this variant, and observations in unaffected individuals support a benign interpretation. Therefore, based on the currently available evidence, this variant is classified as benign.

Labcorp Genetics (formerly Invitae), Labcorp
Classification: Benign for Bloom syndrome. Last evaluated: 2026-02-04. Review status: criteria provided, single submitter. Criteria: Invitae Variant Classification Sherloc (09022015). Collection method: clinical testing. Allele origin: germline.

Women's Health and Genetics/Laboratory Corporation of America, LabCorp
Classification: Likely benign. Last evaluated: 2025-11-17. Review status: criteria provided, single submitter. Criteria: LabCorp Variant Classification Summary - May 2015. Collection method: clinical testing. Allele origin: germline.
Comment: Variant summary: BLM c.2263A>G (p.Lys755Glu) results in a conservative amino acid change located in the DEAD/DEAH box helicase domain (IPR011545) of the encoded protein sequence. Algorithms developed to predict the effect of missense changes on protein structure and function are either unavailable or do not agree on the potential impact of this missense change. The variant allele was found at a frequency of 0.00028 in 251136 control chromosomes, predominantly at a frequency of 0.0042 within the African or African-American subpopulation in the gnomAD database. The observed variant frequency within African or African-American control individuals in the gnomAD database exceeds the estimated maximal expected allele frequency for disease-causing variants in BLM. c.2263A>G has been observed in an individual affected with breast cancer (McDonald_2022). This report does not provide unequivocal conclusions about association of the variant with Bloom Syndrome. At least one publication reported experimental evidence evaluating an impact of the variant on protein function in a humanized yeast model system treated with a DNA damaging agent (e.g. Mirzaei_2012). The results showed no difference in sensitivity compared to WT, suggesting the variant does not have a damaging effect on the ability of the protein to maintain genome stability. The following publications have been ascertained in the context of this evaluation (PMID: 24728327, 23129629, 36315513). ClinVar contains an entry for this variant (Variation ID: 133697). Based on the evidence outlined above, the variant was classified as likely benign.

Blueprint Genetics
Classification: Likely benign. Last evaluated: 2024-09-05. Review status: criteria provided, single submitter. Criteria: ACMG Guidelines, 2015. Collection method: clinical testing. Allele origin: germline.

Mendelics
Classification: Likely benign for Hereditary cancer. Last evaluated: 2024-01-23. Review status: criteria provided, single submitter. Criteria: ACMG Guidelines, 2015. Collection method: clinical testing. Allele origin: unknown.

Quest Diagnostics Nichols Institute San Juan Capistrano
Classification: Benign. Last evaluated: 2023-02-04. Review status: criteria provided, single submitter. Criteria: Quest Diagnostics criteria. Collection method: clinical testing. Allele origin: unknown.

Sema4
Classification: Likely benign for Hereditary cancer-predisposing syndrome. Last evaluated: 2022-01-09. Review status: criteria provided, single submitter. Criteria: Sema4 Curation Guidelines. Collection method: curation. Allele origin: germline.

GeneDx
Classification: Uncertain significance. Last evaluated: 2021-12-27. Review status: criteria provided, single submitter. Criteria: GeneDx Variant Classification Process June 2021. Collection method: clinical testing. Allele origin: germline. Affected: yes.
Comment: In silico analysis supports that this missense variant has a deleterious effect on protein structure/function; Published functional studies suggest no damaging effect: showed similar effects on hypersensitivity to the DNA-damaging agent hypdroxyuruea as the wild type (Mirzaei 2012); Identified in healthy individuals undergoing whole genome sequencing (Bodian 2014); This variant is associated with the following publications: (PMID: 24728327, 23129629)

Institute for Clinical Genetics, University Hospital TU Dresden, University Hospital TU Dresden
Classification: Uncertain significance. Last evaluated: 2021-11-03. Review status: criteria provided, single submitter. Criteria: ACMG Guidelines, 2015. Collection method: clinical testing. Allele origin: germline.

Ambry Genetics
Classification: Likely benign for Hereditary cancer-predisposing syndrome. Last evaluated: 2019-03-22. Review status: criteria provided, single submitter. Criteria: Ambry Variant Classification Scheme 2023. Collection method: clinical testing. Allele origin: germline.

Eurofins Ntd Llc (ga)
Classification: Uncertain significance. Last evaluated: 2017-12-26. Review status: criteria provided, single submitter. Criteria: EGL Classification Definitions 2015. Collection method: clinical testing. Allele origin: germline. Observed: 2 variant alleles, 2 heterozygotes.

Genetic Services Laboratory, University of Chicago
Classification: Likely benign. Last evaluated: 2017-06-20. Review status: criteria provided, single submitter. Criteria: ACMG Guidelines, 2015. Collection method: clinical testing. Allele origin: germline. Affected: no.

PreventionGenetics, part of Exact Sciences
Classification: Likely benign for BLM-related condition. Last evaluated: 2022-04-08. Review status: no assertion criteria provided. Collection method: clinical testing. Allele origin: germline. Not counted in ClinVar's aggregate classification.
Comment: This variant is classified as likely benign based on ACMG/AMP sequence variant interpretation guidelines (Richards et al. 2015 PMID: 25741868, with internal and published modifications).

Natera, Inc.
Classification: Likely benign for Bloom syndrome. Last evaluated: 2020-09-16. Review status: no assertion criteria provided. Collection method: clinical testing. Allele origin: germline. Not counted in ClinVar's aggregate classification.

ITMI
No classification provided. Condition: AllHighlyPenetrant. Last evaluated: 2013-09-19. Review status: no classification provided. Collection method: reference population. Allele origin: germline. Not counted in ClinVar's aggregate classification.
Comment: Please see associated publication for description of ethnicities

Dr. Peter K. Rogan Lab, Western University
No classification provided (evidence only). Condition: Familial cancer of breast. Review status: no classification provided. Collection method: in vitro. Allele origin: not applicable. Functional consequence: retained intron. Not counted in ClinVar's aggregate classification.

Literature cited by the submitters: PubMed 24728327 (cited by 3 submitters); PubMed 23129629 (cited by 4 submitters); PubMed 36315513 (cited by Women's Health and Genetics/Laboratory Corporation of America, LabCorp); PubMed 28873162 (cited by Quest Diagnostics Nichols Institute San Juan Capistrano and Sema4).